The following is an entry in ClinVar:

NM_001037165.2(FOXK1):c.2172C>T (p.Ala724=)

Gene: FOXK1 (forkhead box K1; plus strand). Cytogenetic location: 7p22.1.
Variant type: single nucleotide variant.
Coding change: c.2172C>T on transcript NM_001037165.2 (MANE Select); coding-DNA position 2172, C replaced by T.
Protein change: p.Ala724=; no amino-acid change (alanine 724 retained).
Molecular consequence: synonymous variant.
Genome position (GRCh38, 1-based): chr7:4,762,434, C>T. VCF-style: chr7-4762434-C-T. GRCh37 (hg19) VCF-style: chr7-4802065-C-T.
Identifiers: ClinVar variation 773475 (VCV000773475.27), dbSNP rs62453207, ClinGen allele CA4136965.
Genomic context (GRCh38, chr7:4,762,434, plus strand): 5'-GTCCCGGGTGGAGGAGCCCAGTGGTGCTGTAACCACACCGGCTGGAGTGATCGCAGCTGC[C>T]GGCCCCCAGGGGCCAGGCACCGGGGAGTGAGGTCACCTGCAACGCGGGGGAGTGGGACTC-3'
Protein context (NP_001032242.1, residues 714-733): VTTPAGVIAA[Ala724=]GPQGPGTGE

ClinVar aggregate classification (germline): Benign. Review status: criteria provided, multiple submitters, no conflicts (2 of 4 stars). 2 submissions from 2 submitters: Benign (2). Last evaluated 2025-02-01.

Allele frequency attached by ClinVar (database versions not stated): 1000 Genomes Project 30x 0.00125; 1000 Genomes Project 0.00160; ESP Exome Variant Server 0.00573; TOPMed 0.00583; gnomAD 0.00667 and 0.00672.
gnomAD v4.1: 13,658 of 1,546,810 alleles (0.88%); highest among the groups gnomAD compares: Non-Finnish European, 1%; 59 homozygotes.

Submissions (2):

CeGaT Center for Human Genetics Tuebingen
Classification: Benign. Last evaluated: 2025-02-01. Review status: criteria provided, single submitter. Criteria: CeGaT Center For Human Genetics Tuebingen Variant Classification Criteria Version 2. Collection method: clinical testing. Allele origin: germline. Affected: yes. Observed: 2 variant alleles.
Comment: FOXK1: BP4, BP7, BS1, BS2

Labcorp Genetics (formerly Invitae), Labcorp
Classification: Benign. Last evaluated: 2018-07-10. Review status: criteria provided, single submitter. Criteria: Invitae Variant Classification Sherloc (09022015). Collection method: clinical testing. Allele origin: germline.